The following is an entry in ClinVar:

NM_000352.6(ABCC8):c.2548G>T (p.Val850Phe)

Gene: ABCC8 (ATP binding cassette subfamily C member 8; minus strand). Cytogenetic location: 11p15.1.
Variant type: single nucleotide variant.
Coding change: c.2548G>T on transcript NM_000352.6 (MANE Select); coding-DNA position 2548, G replaced by T.
Protein change: p.Val850Phe; replaces valine 850 with phenylalanine.
Molecular consequence: missense variant. On other transcripts: non-coding transcript variant (1).
Genome position (GRCh38, 1-based): chr11:17,412,674, C>A on the plus strand (G>T on the coding strand, the complement: ABCC8 is on the minus strand). VCF-style: chr11-17412674-C-A. GRCh37 (hg19) VCF-style: chr11-17434221-C-A.
Other names: c.2551G>T, p.Val851Phe (NM_001287174.3); c.2614G>T, p.Val872Phe (NM_001351295.2); c.2548G>T, p.Val850Phe (NM_001351296.2); c.2545G>T, p.Val849Phe (NM_001351297.2); short protein forms V849F, V850F, V851F, V872F.
Identifiers: ClinVar variation 3676209 (VCV003676209.2).

ClinVar aggregate classification (germline): Uncertain significance (1 of 4 stars; one submission).

gnomAD v4.1: 8 of 1,611,516 alleles (0.0005%); highest among the groups gnomAD compares: Admixed American, 0.0017%; no homozygotes.

Submission:

Labcorp Genetics (formerly Invitae), Labcorp
Classification: Uncertain significance. Last evaluated: 2024-08-23. Review status: criteria provided, single submitter. Criteria: Invitae Variant Classification Sherloc (09022015). Collection method: clinical testing. Allele origin: germline.
Comment: This sequence change replaces valine, which is neutral and non-polar, with phenylalanine, which is neutral and non-polar, at codon 850 of the ABCC8 protein (p.Val850Phe). The frequency data for this variant in the population databases is considered unreliable, as metrics indicate poor data quality at this position in the gnomAD database. This variant has not been reported in the literature in individuals affected with ABCC8-related conditions. Invitae Evidence Modeling of protein sequence and biophysical properties (such as structural, functional, and spatial information, amino acid conservation, physicochemical variation, residue mobility, and thermodynamic stability) has been performed for this missense variant. However, the output from this modeling did not meet the statistical confidence thresholds required to predict the impact of this variant on ABCC8 protein function. In summary, the available evidence is currently insufficient to determine the role of this variant in disease. Therefore, it has been classified as a Variant of Uncertain Significance.